The following is an entry in ClinVar:

ClinVar aggregate classification (germline): Uncertain significance (1 of 4 stars; one submission).

Conditions:
Inborn genetic diseases. Identifiers: MedGen C0950123, MeSH D030342.

Submission:

Ambry Genetics
Classification: Uncertain significance for Inborn genetic diseases. Last evaluated: 2024-09-27. Review status: criteria provided, single submitter. Criteria: Ambry Variant Classification Scheme 2023. Collection method: clinical testing. Allele origin: germline.
Comment: The p.Q267K variant (also known as c.799C>A), located in coding exon 9 of the ERCC2 gene, results from a C to A substitution at nucleotide position 799. The glutamine at codon 267 is replaced by lysine, an amino acid with similar properties. This amino acid position is conserved. In addition, this alteration is predicted to be tolerated by in silico analysis. Based on the available evidence, the clinical significance of this variant remains unclear.

NM_000400.4(ERCC2):c.799C>A (p.Gln267Lys)

Gene: ERCC2 (ERCC excision repair 2, TFIIH core complex helicase subunit; minus strand). Cytogenetic location: 19q13.32.
Variant type: single nucleotide variant.
Coding change: c.799C>A on transcript NM_000400.4 (MANE Select); coding-DNA position 799, C replaced by A.
Protein change: p.Gln267Lys; replaces glutamine 267 with lysine.
Molecular consequence: missense variant.
Genome position (GRCh38, 1-based): chr19:45,364,251, G>T on the plus strand (C>A on the coding strand, the complement: ERCC2 is on the minus strand). VCF-style: chr19-45364251-G-T. GRCh37 (hg19) VCF-style: chr19-45867509-G-T.
Other names: c.727C>A, p.Gln243Lys (NM_001130867.2); short protein forms Q243K, Q267K.
Identifiers: ClinVar variation 3509874 (VCV003509874.1).